The following is an entry in ClinVar:

NM_021625.5(TRPV4):c.1976C>T (p.Ser659Leu)

Gene: TRPV4 (transient receptor potential cation channel subfamily V member 4; minus strand). Cytogenetic location: 12q24.11.
Variant type: single nucleotide variant.
Coding change: c.1976C>T on transcript NM_021625.5 (MANE Select); coding-DNA position 1976, C replaced by T.
Protein change: p.Ser659Leu; replaces serine 659 with leucine.
Molecular consequence: missense variant.
Genome position (GRCh38, 1-based): chr12:109,788,632, G>A on the plus strand (C>T on the coding strand, the complement: TRPV4 is on the minus strand). VCF-style: chr12-109788632-G-A. GRCh37 (hg19) VCF-style: chr12-110226437-G-A.
Other names: p.Ser659Leu; c.1835C>T, p.Ser612Leu (NM_001177428.2); c.1874C>T, p.Ser625Leu (NM_001177431.2); c.1655C>T, p.Ser552Leu (NM_001177433.2); c.1796C>T, p.Ser599Leu (NM_147204.3); short protein forms S659L, S625L, S552L, S599L, S612L.
Identifiers: ClinVar variation 409288 (VCV000409288.22), dbSNP rs779715512, ClinGen allele CA6780041.

ClinVar aggregate classification (germline): Conflicting classifications of pathogenicity. Review status: criteria provided, conflicting classifications (1 of 4 stars). 7 submissions from 7 submitters: Uncertain significance (5); Likely benign (2). Last evaluated 2025-12-14.

Conditions:
Inborn genetic diseases. Identifiers: MedGen C0950123, MeSH D030342.
Charcot-Marie-Tooth disease. Also called: Charcot-Marie-Tooth Neuropathy; Charcot-Marie-Tooth Hereditary Neuropathy. Identifiers: Orphanet 166, MedGen C0007959, MONDO:0015626.
Brachyrachia (short spine dysplasia) (BCYM3). Also called: BRACHYRACHIA; Brachyolmia Type 3; Brachyolmia, TRPV4-Related; Autosomal dominant brachyolmia. Identifiers: Orphanet 93304, MedGen C0432227, MONDO:0007232, OMIM 113500.
Metatropic dysplasia (MTD). Also called: METATROPIC DWARFISM; Metatropic dysplasia, nonlethal dominant; Metatropic Dysplasia, TRPV4-Related. Identifiers: Orphanet 2635, MedGen C0265281, MONDO:0007986, OMIM 156530.
Familial digital arthropathy-brachydactyly. Identifiers: Orphanet 85169, MedGen C1847406, MONDO:0011732, OMIM 606835.
Parastremmatic dwarfism. Identifiers: Orphanet 2646, MedGen C1868616, MONDO:0008196, OMIM 168400.
Neuronopathy, distal hereditary motor, autosomal dominant 8. Also called: SPINAL MUSCULAR ATROPHY, CONGENITAL BENIGN, WITH CONTRACTURES; NEURONOPATHY, DISTAL HEREDITARY MOTOR, TYPE VIII; NEUROPATHY, DISTAL HEREDITARY MOTOR, TYPE VIII; Autosomal dominant congenital benign spinal muscular atrophy. Identifiers: Orphanet 1216, MedGen C1838492, MONDO:0010839, OMIM 600175.
Scapuloperoneal spinal muscular atrophy (SPSMA). Also called: Scapuloperoneal Form of Spinal Muscular Atrophy; Scapuloperoneal spinal muscular atrophy, autosomal dominant; AMYOTROPHY, NEUROGENIC SCAPULOPERONEAL, NEW ENGLAND TYPE; Scapuloperoneal Spinal Muscular Atrophy, TRPV4-Related. Identifiers: Orphanet 431255, MedGen C0751335, MONDO:0008408, OMIM 181405.
Avascular necrosis of femoral head, primary, 2 (ANFH2). Identifiers: MedGen C4479260, MONDO:0054551, OMIM 617383.
Spondylometaphyseal dysplasia, Kozlowski type (SMDK). Also called: Dysmorphism arthrogryposis skeletal maturation advanced; Jequier-Kozlowski syndrome; Skeletal dysplasia Jequier-Kozlowski type; SMD Kozlowski type; Spondylometaphyseal Dysplasia, TRPV4-Related (Kozlowski Type). Identifiers: Orphanet 93314, MedGen C0265280, MONDO:0008477, OMIM 184252.
Spondyloepimetaphyseal dysplasia, Maroteaux type (SEDM). Also called: SED, MAROTEAUX TYPE; PSEUDO-MORQUIO SYNDROME, TYPE 2; Spondyloepimetaphyseal Dysplasia, TRPV4-Related (Maroteaux Type). Identifiers: Orphanet 263482, MedGen C3159322, MONDO:0008473, OMIM 184095.
Sodium serum level quantitative trait locus 1 (SSQTL1). Identifiers: MedGen C3150755, OMIM 613508.
Charcot-Marie-Tooth disease axonal type 2C (HMSN2C). Also called: CHARCOT-MARIE-TOOTH DISEASE, AXONAL, AUTOSOMAL DOMINANT, TYPE 2C; Charcot-Marie-Tooth Neuropathy Type 2C; Charcot-Marie-Tooth Disease Type 2, TRPV4-Related (CMT2C). Identifiers: Orphanet 99937, MedGen C1853710, MONDO:0011633, OMIM 606071.

Allele frequency attached by ClinVar (database versions not stated): TOPMed 0.00009; gnomAD 0.00015 and 0.00013; gnomAD exomes 0.00004; ExAC 0.00004.

Submissions (7):

Labcorp Genetics (formerly Invitae), Labcorp
Classification: Likely benign for Charcot-Marie-Tooth disease axonal type 2C. Last evaluated: 2025-12-14. Review status: criteria provided, single submitter. Criteria: Invitae Variant Classification Sherloc (09022015). Collection method: clinical testing. Allele origin: germline.

GeneDx
Classification: Uncertain significance. Last evaluated: 2024-10-02. Review status: criteria provided, single submitter. Criteria: GeneDx Variant Classification Process June 2021. Collection method: clinical testing. Allele origin: germline. Affected: yes.
Comment: In silico analysis supports that this missense variant has a deleterious effect on protein structure/function; In silico analysis suggests this variant may impact gene splicing. In the absence of RNA/functional studies, the actual effect of this sequence change is unknown.; Has not been previously published as pathogenic or benign to our knowledge

Mayo Clinic Laboratories, Mayo Clinic
Classification: Uncertain significance. Last evaluated: 2021-09-10. Review status: criteria provided, single submitter. Criteria: ACMG Guidelines, 2015. Collection method: clinical testing. Allele origin: germline.

Ambry Genetics
Classification: Likely benign for Inborn genetic diseases. Last evaluated: 2020-08-07. Review status: criteria provided, single submitter. Criteria: Ambry Variant Classification Scheme 2023. Collection method: clinical testing. Allele origin: germline.

Revvity Omics, Revvity
Classification: Uncertain significance. Last evaluated: 2019-08-02. Review status: criteria provided, single submitter. Criteria: ACMG Guidelines, 2015. Collection method: clinical testing. Allele origin: germline.

Fulgent Genetics
Classification: Uncertain significance for Brachyrachia (short spine dysplasia); Metatropic dysplasia; Parastremmatic dwarfism; Scapuloperoneal spinal muscular atrophy; Spondyloepimetaphyseal dysplasia, Maroteaux type; Spondylometaphyseal dysplasia, Kozlowski type; Neuronopathy, distal hereditary motor, autosomal dominant 8; Charcot-Marie-Tooth disease axonal type 2C; Familial digital arthropathy-brachydactyly; Sodium serum level quantitative trait locus 1; Avascular necrosis of femoral head, primary, 2. Last evaluated: 2018-10-31. Review status: criteria provided, single submitter. Criteria: ACMG Guidelines, 2015. Collection method: clinical testing. Allele origin: unknown.

Molecular Genetics Laboratory, London Health Sciences Centre
Classification: Uncertain significance for Charcot-Marie-Tooth disease. Review status: criteria provided, single submitter. Criteria: ACMG Guidelines, 2015. Collection method: clinical testing. Allele origin: germline. Affected: yes.